The following is an entry in ClinVar:

ClinVar aggregate classification (germline): Uncertain significance (1 of 4 stars; one submission).

Conditions:
Familial cold autoinflammatory syndrome 3 (FCAS3). Also called: FAMILIAL ATYPICAL COLD URTICARIA; ANTIBODY DEFICIENCY AND IMMUNE DYSREGULATION, PLCG2-ASSOCIATED. Identifiers: Orphanet 300359, MedGen C3280914, MONDO:0013766, OMIM 614468.

Submission:

Labcorp Genetics (formerly Invitae), Labcorp
Classification: Uncertain significance for Familial cold autoinflammatory syndrome 3. Last evaluated: 2024-10-29. Review status: criteria provided, single submitter. Criteria: Invitae Variant Classification Sherloc (09022015). Collection method: clinical testing. Allele origin: germline.
Comment: This sequence change replaces isoleucine, which is neutral and non-polar, with methionine, which is neutral and non-polar, at codon 150 of the PLCG2 protein (p.Ile150Met). This variant is not present in population databases (gnomAD no frequency). This variant has not been reported in the literature in individuals affected with PLCG2-related conditions. An algorithm developed to predict the effect of missense changes on protein structure and function (PolyPhen-2) suggests that this variant is likely to be tolerated. In summary, the available evidence is currently insufficient to determine the role of this variant in disease. Therefore, it has been classified as a Variant of Uncertain Significance.

NM_002661.5(PLCG2):c.450A>G (p.Ile150Met)

Gene: PLCG2 (phospholipase C gamma 2; plus strand). Cytogenetic location: 16q23.3.
Variant type: single nucleotide variant.
Coding change: c.450A>G on transcript NM_002661.5 (MANE Select); coding-DNA position 450, A replaced by G.
Protein change: p.Ile150Met; replaces isoleucine 150 with methionine.
Molecular consequence: missense variant.
Genome position (GRCh38, 1-based): chr16:81,859,134, A>G. VCF-style: chr16-81859134-A-G. GRCh37 (hg19) VCF-style: chr16-81892739-A-G.
Other names: c.450A>G, p.Ile150Met (NM_001425749.1, NM_001425750.1, NM_001425751.1); short protein forms I150M.
Identifiers: ClinVar variation 3628274 (VCV003628274.2).
Genomic context (GRCh38, chr16:81,859,134, plus strand): 5'-TTTTCTCTTTCTCTCTTTCTTTTGTCTCATATTTCTTTCCAGTTGGCTGAGAAAGCAGAT[A>G]TATTCTGTGGATCAAACCAGAAGAAACAGGTAAGAGTCATTCAGTTTTTTTCTGATCACT-3'
Protein context (NP_002652.2, residues 140-160): TIIESWLRKQ[Ile150Met]YSVDQTRRNS